The following is an entry in ClinVar:

ClinVar aggregate classification (germline): Uncertain significance (1 of 4 stars; one submission).

Submission:

Labcorp Genetics (formerly Invitae), Labcorp
Classification: Uncertain significance. Last evaluated: 2024-05-13. Review status: criteria provided, single submitter. Criteria: Invitae Variant Classification Sherloc (09022015). Collection method: clinical testing. Allele origin: germline.
Comment: This sequence change replaces phenylalanine, which is neutral and non-polar, with tyrosine, which is neutral and polar, at codon 298 of the NFKB1 protein (p.Phe298Tyr). This variant is not present in population databases (gnomAD no frequency). This variant has not been reported in the literature in individuals affected with NFKB1-related conditions. Advanced modeling of protein sequence and biophysical properties (such as structural, functional, and spatial information, amino acid conservation, physicochemical variation, residue mobility, and thermodynamic stability) performed at Invitae indicates that this missense variant is not expected to disrupt NFKB1 protein function with a negative predictive value of 80%. In summary, the available evidence is currently insufficient to determine the role of this variant in disease. Therefore, it has been classified as a Variant of Uncertain Significance.

NM_003998.4(NFKB1):c.893T>A (p.Phe298Tyr)

Gene: NFKB1 (nuclear factor kappa B subunit 1; plus strand). Cytogenetic location: 4q24.
Variant type: single nucleotide variant.
Coding change: c.893T>A on transcript NM_003998.4 (MANE Select); coding-DNA position 893, T replaced by A.
Protein change: p.Phe298Tyr; replaces phenylalanine 298 with tyrosine.
Molecular consequence: missense variant.
Genome position (GRCh38, 1-based): chr4:102,582,923, T>A. VCF-style: chr4-102582923-T-A. GRCh37 (hg19) VCF-style: chr4-103504080-T-A.
Other names: c.890T>A, p.Phe297Tyr (NM_001165412.2, NM_001319226.2, NM_001382627.1); c.893T>A, p.Phe298Tyr (NM_001382625.1, NM_001382626.1); c.851T>A, p.Phe284Tyr (NM_001382628.1); short protein forms F284Y, F297Y, F298Y.
Identifiers: ClinVar variation 3653220 (VCV003653220.2).